The following is an entry in ClinVar:

ClinVar aggregate classification (germline): Benign/Likely benign. Review status: criteria provided, multiple submitters, no conflicts (2 of 4 stars). 8 submissions from 8 submitters: Benign (1); Likely benign (7). Last evaluated 2025-12-08.

Conditions:
Diabetic retinopathy. Identifiers: MedGen C0011884, MONDO:0005266.
Loeys-Dietz syndrome 2 (LDS2). Also called: AORTIC ANEURYSM, FAMILIAL THORACIC 3; MARFAN SYNDROME, TYPE II; Marfan syndrome, type 2 (formerly); Marfan like connective tissue disorder; MFS 2; Marfan Syndrome type 2. Identifiers: Orphanet 284973, Orphanet 558, MedGen C2674574, MONDO:0012427, OMIM 610168.
Familial thoracic aortic aneurysm and aortic dissection (TAAD). Also called: Thoracic aortic aneurysms and dissections. Identifiers: Orphanet 91387, MedGen C4707243, MONDO:0019625.

Allele frequency attached by ClinVar (database versions not stated): TOPMed 0.00002; gnomAD 0.00004 and 0.00008; ExAC 0.00009; gnomAD exomes 0.00009 and 0.00012; 1000 Genomes Project 30x 0.00016; 1000 Genomes Project 0.00020.
gnomAD v4.1: 140 of 1,614,104 alleles (0.0087%); highest among the groups gnomAD compares: South Asian, 0.075%; 1 homozygote.

Submissions (8):

Labcorp Genetics (formerly Invitae), Labcorp
Classification: Likely benign for Familial thoracic aortic aneurysm and aortic dissection. Last evaluated: 2025-12-08. Review status: criteria provided, single submitter. Criteria: Invitae Variant Classification Sherloc (09022015). Collection method: clinical testing. Allele origin: germline.

Mayo Clinic Laboratories, Mayo Clinic
Classification: Likely benign. Last evaluated: 2025-01-10. Review status: criteria provided, single submitter. Criteria: ACMG Guidelines, 2015. Collection method: clinical testing. Allele origin: germline. Observed: 1 variant allele.
Comment: BS1, BP4, BP7

Women's Health and Genetics/Laboratory Corporation of America, LabCorp
Classification: Benign. Last evaluated: 2024-12-06. Review status: criteria provided, single submitter. Criteria: LabCorp Variant Classification Summary - May 2015. Collection method: clinical testing. Allele origin: germline.

Blueprint Genetics
Classification: Likely benign. Last evaluated: 2024-08-21. Review status: criteria provided, single submitter. Criteria: ACMG Guidelines, 2015. Collection method: clinical testing. Allele origin: germline.

All of Us Research Program, National Institutes of Health
Classification: Likely benign for Loeys-Dietz syndrome 2. Last evaluated: 2023-12-01. Review status: criteria provided, single submitter. Criteria: ACMG Guidelines, 2015. Collection method: clinical testing. Allele origin: germline. Inheritance: Autosomal dominant inheritance. Observed: 5 variant alleles, 5 heterozygotes.
Comment: This study involves interpretation of variants in research participants for the purpose of population health screening. Participant phenotype was not available at the time of variant classification. Additional details can be found in publication PMID: 35346344, PMCID: PMC8962531

Ambry Genetics
Classification: Likely benign for Familial thoracic aortic aneurysm and aortic dissection. Last evaluated: 2021-06-12. Review status: criteria provided, single submitter. Criteria: Ambry Variant Classification Scheme 2023. Collection method: clinical testing. Allele origin: germline.

Color Diagnostics, LLC DBA Color Health
Classification: Likely benign for Familial thoracic aortic aneurysm and aortic dissection. Last evaluated: 2019-06-01. Review status: criteria provided, single submitter. Criteria: ACMG Guidelines, 2015. Collection method: clinical testing. Allele origin: germline.

Clinical Genomics, Uppaluri K&H Personalized Medicine Clinic
Classification: Likely benign for Diabetic retinopathy. Review status: criteria provided, single submitter. Criteria: K And H Uppaluri Personalized Medicine Clinic Variant Classification And Assertion Criteria Updated V 2. Collection method: research. Allele origin: unknown.
Comment: Potent mutations in TGFBR2 gene encodes the transforming growth factor that have been associated with angiogenesis and diabetic retinopathy. More clinical studies are needed for stronger association. However, more evidence is required to confer the association of this particular variant rs574133875 with diabetic retinopathy.

Literature cited by the submitters: PubMed 30222965 (cited by Clinical Genomics, Uppaluri K&H Personalized Medicine Clinic); PubMed 28162229 (cited by Clinical Genomics, Uppaluri K&H Personalized Medicine Clinic); PubMed 34572573 (cited by Clinical Genomics, Uppaluri K&H Personalized Medicine Clinic).

NM_003242.6(TGFBR2):c.126C>T (p.Asn42=)

Gene: TGFBR2 (transforming growth factor beta receptor 2; plus strand). Cytogenetic location: 3p24.1.
Variant type: single nucleotide variant.
Coding change: c.126C>T on transcript NM_003242.6 (MANE Select); coding-DNA position 126, C replaced by T.
Protein change: p.Asn42=; no amino-acid change (asparagine 42 retained).
Molecular consequence: synonymous variant. On other transcripts: intron variant (2).
Genome position (GRCh38, 1-based): chr3:30,644,778, C>T. VCF-style: chr3-30644778-C-T. GRCh37 (hg19) VCF-style: chr3-30686270-C-T.
Other names: p.Asn42=; c.201C>T, p.Asn67= (NM_001024847.3, NM_001407126.1, NM_001407139.1); c.126C>T, p.Asn42= (NM_001407127.1, NM_001407130.1); c.153C>T, p.Asn51= (NM_001407128.1); c.21C>T, p.Asn7= (NM_001407129.1, NM_001407132.1, NM_001407133.1 and 3 more transcripts); c.169+21505C>T (NM_001407137.1); c.95-26860C>T (NM_001407138.1).
Identifiers: ClinVar variation 543907 (VCV000543907.17), dbSNP rs574133875, ClinGen allele CA046214.
Genomic context (GRCh38, chr3:30,644,778, plus strand): 5'-TCATTTAATATATCTTTCTCTCTCCTCAGTTAATAACGACATGATAGTCACTGACAACAA[C>T]GGTGCAGTCAAGTTTCCACAACTGTGTAAATTTTGTGATGTGAGATTTTCCACCTGTGAC-3'
Protein context (NP_003233.4, residues 32-52): VNNDMIVTDN[Asn42=]GAVKFPQLCK